The following is an entry in ClinVar:

NM_198525.3(KIF7):c.3737C>T (p.Pro1246Leu)

Gene: KIF7 (kinesin family member 7; minus strand). Cytogenetic location: 15q26.1.
Variant type: single nucleotide variant.
Coding change: c.3737C>T on transcript NM_198525.3 (MANE Select); coding-DNA position 3737, C replaced by T.
Protein change: p.Pro1246Leu; replaces proline 1246 with leucine.
Molecular consequence: missense variant.
Genome position (GRCh38, 1-based): chr15:89,628,714, G>A on the plus strand (C>T on the coding strand, the complement: KIF7 is on the minus strand). VCF-style: chr15-89628714-G-A. GRCh37 (hg19) VCF-style: chr15-90171945-G-A.
Other names: short protein forms P1246L.
Identifiers: ClinVar variation 1482591 (VCV001482591.6), dbSNP rs2141991796, ClinGen allele CA393753456.

ClinVar aggregate classification (germline): Uncertain significance (1 of 4 stars; one submission).

Conditions:
Acrocallosal syndrome (ACLS). Also called: HALLUX DUPLICATION, POSTAXIAL POLYDACTYLY, AND ABSENCE OF CORPUS CALLOSUM; Schinzel syndrome 1; Absence of corpus callosum with unusual facial appearance, mental deficiency, duplication of the halluces and polydactyly. Identifiers: Orphanet 36, MedGen C0796147, MONDO:0008708, OMIM 200990.

Submission:

Labcorp Genetics (formerly Invitae), Labcorp
Classification: Uncertain significance for Acrocallosal syndrome. Last evaluated: 2022-07-12. Review status: criteria provided, single submitter. Criteria: Invitae Variant Classification Sherloc (09022015). Collection method: clinical testing. Allele origin: germline.
Comment: This sequence change replaces proline, which is neutral and non-polar, with leucine, which is neutral and non-polar, at codon 1246 of the KIF7 protein (p.Pro1246Leu). This variant is not present in population databases (gnomAD no frequency). This variant has not been reported in the literature in individuals affected with KIF7-related conditions. ClinVar contains an entry for this variant (Variation ID: 1482591). Algorithms developed to predict the effect of missense changes on protein structure and function are either unavailable or do not agree on the potential impact of this missense change (SIFT: "Deleterious"; PolyPhen-2: "Benign"; Align-GVGD: "Class C0"). In summary, the available evidence is currently insufficient to determine the role of this variant in disease. Therefore, it has been classified as a Variant of Uncertain Significance.